The following is an entry in ClinVar:

NM_000038.6(APC):c.5999G>A (p.Ser2000Asn)

Gene: APC (APC regulator of Wnt signaling pathway; plus strand). Cytogenetic location: 5q22.2.
Variant type: single nucleotide variant.
Coding change: c.5999G>A on transcript NM_000038.6 (MANE Select); coding-DNA position 5999, G replaced by A.
Protein change: p.Ser2000Asn; replaces serine 2000 with asparagine.
Molecular consequence: missense variant.
Genome position (GRCh38, 1-based): chr5:112,841,593, G>A. VCF-style: chr5-112841593-G-A. GRCh37 (hg19) VCF-style: chr5-112177290-G-A.
Other names: c.5999G>A, p.Ser2000Asn (NM_001127510.3, NM_001354895.2); c.5945G>A, p.Ser1982Asn (NM_001127511.3); c.6053G>A, p.Ser2018Asn (NM_001354896.2); c.6029G>A, p.Ser2010Asn (NM_001354897.2); c.5924G>A, p.Ser1975Asn (NM_001354898.2); c.5915G>A, p.Ser1972Asn (NM_001354899.2); c.5876G>A, p.Ser1959Asn (NM_001354900.2); c.5822G>A, p.Ser1941Asn (NM_001354901.2); and 5 more; short protein forms S1982N, S2000N, S1717N, S2018N, S1840N, S1975N, S2010N, S1909N.
Identifiers: ClinVar variation 490326 (VCV000490326.7), dbSNP rs760115941, ClinGen allele CA16034460.

ClinVar aggregate classification (germline): Uncertain significance. Review status: criteria provided, multiple submitters, no conflicts (2 of 4 stars). 2 submissions from 2 submitters: Uncertain significance (2). Last evaluated 2025-10-01.

Conditions:
Hereditary cancer-predisposing syndrome. Also called: Hereditary Cancer Syndrome; Neoplastic Syndromes, Hereditary; Tumor predisposition; Hereditary neoplastic syndrome. Identifiers: Orphanet 140162, MedGen C0027672, MeSH D009386, MONDO:0015356.

gnomAD v4.1: 3 of 1,613,784 alleles (0.00019%); highest among the groups gnomAD compares: Non-Finnish European, 0.00025%; no homozygotes.

Submissions (2):

Ambry Genetics
Classification: Uncertain significance for Hereditary cancer-predisposing syndrome. Last evaluated: 2025-10-01. Review status: criteria provided, single submitter. Criteria: Ambry Variant Classification Scheme 2023. Collection method: clinical testing. Allele origin: germline.
Comment: The p.S2000N variant (also known as c.5999G>A), located in coding exon 15 of the APC gene, results from a G to A substitution at nucleotide position 5999. The serine at codon 2000 is replaced by asparagine, an amino acid with highly similar properties. This amino acid position is conserved. In addition, in silico predictors for this gene do not accurately predict pathogenicity. Based on the available evidence, the clinical significance of this variant remains unclear.

Color Diagnostics, LLC DBA Color Health
Classification: Uncertain significance for Hereditary cancer-predisposing syndrome. Last evaluated: 2024-03-06. Review status: criteria provided, single submitter. Criteria: ACMG Guidelines, 2015. Collection method: clinical testing. Allele origin: germline.
Comment: This missense variant replaces serine with asparagine at codon 2000 of the APC protein. Computational prediction suggests that this variant may not impact protein structure and function (internally defined REVEL score threshold <= 0.5, PMID: 27666373). To our knowledge, functional studies have not been reported for this variant. This variant has not been reported in individuals affected with hereditary cancer in the literature. This variant has not been identified in the general population by the Genome Aggregation Database (gnomAD). The available evidence is insufficient to determine the role of this variant in disease conclusively. Therefore, this variant is classified as a Variant of Uncertain Significance.